The following is an entry in ClinVar:

NM_001122630.2(CDKN1C):c.551T>C (p.Val184Ala)

Gene: CDKN1C (cyclin dependent kinase inhibitor 1C; minus strand). Cytogenetic location: 11p15.4.
Variant type: single nucleotide variant.
Coding change: c.551T>C on transcript NM_001122630.2 (MANE Select); coding-DNA position 551, T replaced by C.
Protein change: p.Val184Ala; replaces valine 184 with alanine.
Molecular consequence: missense variant. On other transcripts: intron variant (1).
Genome position (GRCh38, 1-based): chr11:2,884,906, A>G on the plus strand (T>C on the coding strand, the complement: CDKN1C is on the minus strand). VCF-style: chr11-2884906-A-G. GRCh37 (hg19) VCF-style: chr11-2906136-A-G.
Other names: c.584T>C, p.Val195Ala (LRG_533t1, NM_000076.2, NM_001362474.2); c.551T>C, p.Val184Ala (NM_001122631.2); c.255+296T>C (NM_001362475.2); short protein forms V195A, V184A.
Identifiers: ClinVar variation 454017 (VCV000454017.17), dbSNP rs1261515352, ClinGen allele CA379146404.

ClinVar aggregate classification (germline): Conflicting classifications of pathogenicity. Review status: criteria provided, conflicting classifications (1 of 4 stars). 5 submissions from 5 submitters: Uncertain significance (3); Likely benign (2). Last evaluated 2025-12-26.

Conditions:
CDKN1C-related disorder. Also called: CDKN1C-related condition.
Inborn genetic diseases. Identifiers: MedGen C0950123, MeSH D030342.
Beckwith-Wiedemann syndrome (BWS). Also called: EMG SYNDROME; Exomphalos macroglossia gigantism syndrome. Identifiers: Orphanet 116, MedGen C0004903, MONDO:0007534, OMIM 130650.
IMAGe syndrome. Also called: Intrauterine growth retardation, metaphyseal dysplasia, adrenal hypoplasia congenita, and genital anomalies; Intrauterine Growth Restriction, Metaphyseal Dysplasia, Adrenal Hypoplasia Congenita, and Genital Anomalies. Identifiers: Orphanet 85173, MedGen C1846009, MONDO:0013873, OMIM 614732.

Allele frequency attached by ClinVar (database versions not stated): gnomAD 0.00016 and 0.00022.
gnomAD v4.1: 53 of 780,860 alleles (0.0068%); highest among the groups gnomAD compares: South Asian, 0.077%; no homozygotes.

Submissions (5):

PreventionGenetics, part of Exact Sciences
Classification: Uncertain significance for CDKN1C-related condition. Last evaluated: 2025-12-26. Review status: criteria provided, single submitter. Criteria: ACMG Guidelines, 2015. Collection method: clinical testing. Allele origin: germline.
Comment: The CDKN1C c.584T>C variant is predicted to result in the amino acid substitution p.Val195Ala. To our knowledge, this variant has not been reported in the literature. This variant is reported in 0.028% of alleles in individuals of African descent in gnomAD and has conflicting interpretations in ClinVar ranging from likely benign to uncertain (Variation ID: 454017). Although we suspect that this variant may be benign, at this time, the clinical significance of this variant is uncertain due to the absence of conclusive functional and genetic evidence.

Labcorp Genetics (formerly Invitae), Labcorp
Classification: Likely benign for Beckwith-Wiedemann syndrome. Last evaluated: 2025-11-19. Review status: criteria provided, single submitter. Criteria: Invitae Variant Classification Sherloc (09022015). Collection method: clinical testing. Allele origin: germline.

Ambry Genetics
Classification: Uncertain significance for Inborn genetic diseases. Last evaluated: 2024-08-28. Review status: criteria provided, single submitter. Criteria: Ambry Variant Classification Scheme 2023. Collection method: clinical testing. Allele origin: germline.

Fulgent Genetics
Classification: Likely benign for Beckwith-Wiedemann syndrome; IMAGe syndrome. Last evaluated: 2024-01-30. Review status: criteria provided, single submitter. Criteria: ACMG Guidelines, 2015. Collection method: clinical testing. Allele origin: germline.

Eurofins Ntd Llc (ga)
Classification: Uncertain significance. Last evaluated: 2018-09-06. Review status: criteria provided, single submitter. Criteria: EGL ClinVar v180209 classification definitions. Collection method: clinical testing. Allele origin: germline. Observed: 1 variant allele, 1 heterozygote.